The following is an entry in ClinVar:

NM_001365276.2(TNXB):c.6154A>G (p.Lys2052Glu)

Gene: TNXB (tenascin XB; minus strand). Cytogenetic location: 6p21.33.
Variant type: single nucleotide variant.
Coding change: c.6154A>G on transcript NM_001365276.2 (MANE Select); coding-DNA position 6154, A replaced by G.
Protein change: p.Lys2052Glu; replaces lysine 2052 with glutamic acid.
Molecular consequence: missense variant.
Genome position (GRCh38, 1-based): chr6:32,068,456, T>C on the plus strand (A>G on the coding strand, the complement: TNXB is on the minus strand). VCF-style: chr6-32068456-T-C. GRCh37 (hg19) VCF-style: chr6-32036233-T-C.
Other names: c.6895A>G, p.Lys2299Glu (NM_001428335.1); c.6154A>G, p.Lys2052Glu (NM_019105.8); short protein forms K2052E, K2299E.
Identifiers: ClinVar variation 4615169 (VCV004615169.1).

ClinVar aggregate classification (germline): Uncertain significance (1 of 4 stars; one submission).

Conditions:
Cardiovascular phenotype. Identifiers: MedGen CN230736.

gnomAD v4.1: 16 of 1,613,888 alleles (0.00099%); highest among the groups gnomAD compares: Non-Finnish European, 0.0014%; no homozygotes.

Submission:

Ambry Genetics
Classification: Uncertain significance for Cardiovascular phenotype. Last evaluated: 2025-11-02. Review status: criteria provided, single submitter. Criteria: Ambry Variant Classification Scheme 2023. Collection method: clinical testing. Allele origin: germline.
Comment: The p.K2052E variant (also known as c.6154A>G), located in coding exon 16 of the TNXB gene, results from an A to G substitution at nucleotide position 6154. The lysine at codon 2052 is replaced by glutamic acid, an amino acid with similar properties. This amino acid position is conserved. In addition, this alteration is predicted to be tolerated by in silico analysis. Based on the available evidence, the clinical significance of this variant remains unclear.